The following is an entry in ClinVar:

NM_004994.3(MMP9):c.1937G>T (p.Ser646Ile)

Genes: MMP9 (matrix metallopeptidase 9; plus strand), SLC12A5-AS1 (SLC12A5 and MMP9 antisense RNA 1; minus strand), LOC130065978 (ATAC-STARR-seq lymphoblastoid silent region 12969; plus strand). Cytogenetic location: 20q13.12.
Variant type: single nucleotide variant.
Coding change: c.1937G>T on transcript NM_004994.3 (MANE Select); coding-DNA position 1937, G replaced by T.
Protein change: p.Ser646Ile; replaces serine 646 with isoleucine.
Molecular consequence: missense variant. On other transcripts: non-coding transcript variant (1).
Genome position (GRCh38, 1-based): chr20:46,014,406, G>T. VCF-style: chr20-46014406-G-T. GRCh37 (hg19) VCF-style: chr20-44643045-G-T.
Other names: short protein forms S646I.
Identifiers: ClinVar variation 2765258 (VCV002765258.3), dbSNP rs1236427613, ClinGen allele CA409225589.

ClinVar aggregate classification (germline): Uncertain significance (1 of 4 stars; one submission).

Submission:

Labcorp Genetics (formerly Invitae), Labcorp
Classification: Uncertain significance. Last evaluated: 2023-10-04. Review status: criteria provided, single submitter. Criteria: Invitae Variant Classification Sherloc (09022015). Collection method: clinical testing. Allele origin: germline.
Comment: This sequence change replaces serine, which is neutral and polar, with isoleucine, which is neutral and non-polar, at codon 646 of the MMP9 protein (p.Ser646Ile). This variant is not present in population databases (gnomAD no frequency). This variant has not been reported in the literature in individuals affected with MMP9-related conditions. Advanced modeling of protein sequence and biophysical properties (such as structural, functional, and spatial information, amino acid conservation, physicochemical variation, residue mobility, and thermodynamic stability) performed at Invitae indicates that this missense variant is not expected to disrupt MMP9 protein function. In summary, the available evidence is currently insufficient to determine the role of this variant in disease. Therefore, it has been classified as a Variant of Uncertain Significance.